The following is an entry in ClinVar:

ClinVar aggregate classification (germline): Uncertain significance (1 of 4 stars; one submission).

Allele frequency attached by ClinVar (database versions not stated): gnomAD exomes 0.00001; ExAC 0.00003.

Submission:

GeneDx
Classification: Uncertain significance. Last evaluated: 2022-02-02. Review status: criteria provided, single submitter. Criteria: GeneDx Variant Classification Process June 2021. Collection method: clinical testing. Allele origin: germline. Affected: yes.
Comment: Not observed at significant frequency in large population cohorts (gnomAD); In silico analysis supports that this missense variant does not alter protein structure/function; Has not been previously published as pathogenic or benign to our knowledge

NM_001379451.1(BCORL1):c.1180C>T (p.Pro394Ser)

Gene: BCORL1 (BCL6 corepressor like 1; plus strand). Cytogenetic location: Xq26.1.
Variant type: single nucleotide variant.
Coding change: c.1180C>T on transcript NM_001379451.1 (MANE Select); coding-DNA position 1180, C replaced by T.
Protein change: p.Pro394Ser; replaces proline 394 with serine.
Molecular consequence: missense variant.
Genome position (GRCh38, 1-based): chrX:130,013,952, C>T. VCF-style: chrX-130013952-C-T. GRCh37 (hg19) VCF-style: chrX-129147928-C-T.
Other names: c.1180C>T, p.Pro394Ser (NM_001184772.3, NM_001379450.1, NM_021946.5); short protein forms P394S.
Identifiers: ClinVar variation 1700473 (VCV001700473.2), dbSNP rs752889685, ClinGen allele CA10514216.